The following is an entry in ClinVar:

ClinVar aggregate classification (germline): Conflicting classifications of pathogenicity. Review status: criteria provided, conflicting classifications (1 of 4 stars). 4 submissions from 4 submitters: Uncertain significance (3); Likely benign (1). Last evaluated 2025-12-17.

Conditions:
Progressive familial heart block type IB (PFHB1B). Identifiers: Orphanet 871, MedGen C1970298, MONDO:0011474, OMIM 604559.
Erythrokeratodermia variabilis et progressiva 6. Identifiers: MedGen C5193144, MONDO:0032801, OMIM 618531.
Cardiovascular phenotype. Identifiers: MedGen CN230736.

Allele frequency attached by ClinVar (database versions not stated): gnomAD 0.00002; gnomAD exomes 0.00003; TOPMed 0.00003.
gnomAD v4.1: 49 of 1,613,934 alleles (0.003%); highest among the groups gnomAD compares: Non-Finnish European, 0.0041%; no homozygotes.

Submissions (4):

Labcorp Genetics (formerly Invitae), Labcorp
Classification: Uncertain significance for Progressive familial heart block type IB. Last evaluated: 2025-12-17. Review status: criteria provided, single submitter. Criteria: Invitae Variant Classification Sherloc (09022015). Collection method: clinical testing. Allele origin: germline.
Comment: This sequence change replaces glutamic acid, which is acidic and polar, with lysine, which is basic and polar, at codon 629 of the TRPM4 protein (p.Glu629Lys). This variant is present in population databases (rs762104169, gnomAD 0.01%). This variant has not been reported in the literature in individuals affected with TRPM4-related conditions. ClinVar contains an entry for this variant (Variation ID: 1462550). An algorithm developed to predict the effect of missense changes on protein structure and function outputs the following: PolyPhen-2: "Benign". The lysine amino acid residue is found in multiple mammalian species, which suggests that this missense change does not adversely affect protein function. In summary, the available evidence is currently insufficient to determine the role of this variant in disease. Therefore, it has been classified as a Variant of Uncertain Significance.

GeneDx
Classification: Uncertain significance. Last evaluated: 2025-01-10. Review status: criteria provided, single submitter. Criteria: GeneDx Variant Classification Process June 2021. Collection method: clinical testing. Allele origin: germline. Affected: yes.
Comment: In silico analysis supports that this missense variant has a deleterious effect on protein structure/function; Has not been previously published as pathogenic or benign to our knowledge

Ambry Genetics
Classification: Likely benign for Cardiovascular phenotype. Last evaluated: 2024-09-04. Review status: criteria provided, single submitter. Criteria: Ambry Variant Classification Scheme 2023. Collection method: clinical testing. Allele origin: germline.

Fulgent Genetics
Classification: Uncertain significance for Progressive familial heart block type IB; Erythrokeratodermia variabilis et progressiva 6. Last evaluated: 2021-08-10. Review status: criteria provided, single submitter. Criteria: ACMG Guidelines, 2015. Collection method: clinical testing. Allele origin: unknown.

NM_017636.4(TRPM4):c.1885G>A (p.Glu629Lys)

Gene: TRPM4 (transient receptor potential cation channel subfamily M member 4; plus strand). Cytogenetic location: 19q13.33.
Variant type: single nucleotide variant.
Coding change: c.1885G>A on transcript NM_017636.4 (MANE Select); coding-DNA position 1885, G replaced by A.
Protein change: p.Glu629Lys; replaces glutamic acid 629 with lysine.
Molecular consequence: missense variant.
Genome position (GRCh38, 1-based): chr19:49,188,957, G>A. VCF-style: chr19-49188957-G-A. GRCh37 (hg19) VCF-style: chr19-49692214-G-A.
Other names: c.1885G>A, p.Glu629Lys (NM_001195227.2); c.1540G>A, p.Glu514Lys (NM_001321281.2); c.277G>A, p.Glu93Lys (NM_001321282.2); c.1363G>A, p.Glu455Lys (NM_001321283.2); c.823G>A, p.Glu275Lys (NM_001321285.2); short protein forms E275K, E455K, E93K, E514K, E629K.
Identifiers: ClinVar variation 1462550 (VCV001462550.11), dbSNP rs762104169, ClinGen allele CA9569373.
Genomic context (GRCh38, chr19:49,188,957, plus strand): 5'-CACCCTACTCCTTCCCATCCCTGTCACATAACTAACTCCTCTGCCCCAGACCTCTTTGGC[G>A]AGTGCTATCGCAGCAGTGAGGTGAGGGCTGCCCGCCTCCTCCTCCGTCGCTGCCCGCTCT-3'
Protein context (NP_060106.2, residues 619-639): FEGMGVDLFG[Glu629Lys]CYRSSEVRAA